The following is an entry in ClinVar:

ClinVar aggregate classification (germline): Uncertain significance (1 of 4 stars; one submission).

Allele frequency attached by ClinVar (database versions not stated): gnomAD 0.00001; ExAC 0.00002.
gnomAD v4.1: 4 of 1,613,050 alleles (0.00025%); highest among the groups gnomAD compares: African/African-American, 0.0013%; no homozygotes.

Submission:

CeGaT Center for Human Genetics Tuebingen
Classification: Uncertain significance. Last evaluated: 2023-01-01. Review status: criteria provided, single submitter. Criteria: CeGaT Center For Human Genetics Tuebingen Variant Classification Criteria Version 2. Collection method: clinical testing. Allele origin: germline. Affected: yes. Observed: 1 variant allele.
Comment: FLG: PM2, BP4

NM_002016.2(FLG):c.5665T>A (p.Ser1889Thr)

Genes: CCDST (cervical cancer associated DHX9 suppressive transcript; plus strand), FLG (filaggrin; minus strand). Cytogenetic location: 1q21.3.
Variant type: single nucleotide variant.
Coding change: c.5665T>A on transcript NM_002016.2 (MANE Select); coding-DNA position 5665, T replaced by A.
Protein change: p.Ser1889Thr; replaces serine 1889 with threonine.
Molecular consequence: missense variant.
Genome position (GRCh38, 1-based): chr1:152,309,221, A>T on the plus strand (T>A on the coding strand, the complement: FLG is on the minus strand). VCF-style: chr1-152309221-A-T. GRCh37 (hg19) VCF-style: chr1-152281697-A-T.
Other names: short protein forms S1889T.
Identifiers: ClinVar variation 2498416 (VCV002498416.28), dbSNP rs764993093, ClinGen allele CA1105658.